The following is an entry in ClinVar:

NM_000091.5(COL4A3):c.716G>A (p.Gly239Glu)

Genes: COL4A3 (collagen type IV alpha 3 chain; plus strand), MFF-DT (MFF divergent transcript; minus strand). Cytogenetic location: 2q36.3.
Variant type: single nucleotide variant.
Coding change: c.716G>A on transcript NM_000091.5 (MANE Select); coding-DNA position 716, G replaced by A.
Protein change: p.Gly239Glu; replaces glycine 239 with glutamic acid.
Molecular consequence: missense variant.
Genome position (GRCh38, 1-based): chr2:227,253,589, G>A. VCF-style: chr2-227253589-G-A. GRCh37 (hg19) VCF-style: chr2-228118305-G-A.
Other names: short protein forms G239E.
Identifiers: ClinVar variation 801904 (VCV000801904.4), dbSNP rs1574699782, ClinGen allele CA350864974.

ClinVar aggregate classification (germline): Uncertain significance. Review status: criteria provided, multiple submitters, no conflicts (2 of 4 stars). 3 submissions from 3 submitters: Uncertain significance (2). 1 of the submissions does not count toward it. Last evaluated 2024-08-13.

Conditions:
Autosomal dominant Alport syndrome (ATS3A). Also called: Alport syndrome dominant type; Renal failure and sensorineural hearing loss; ALPORT SYNDROME 3A, AUTOSOMAL DOMINANT. Identifiers: Orphanet 63, Orphanet 88918, MedGen C5882663, MONDO:0007086, OMIM 104200.
Autosomal recessive Alport syndrome (ATS2). Also called: COL4A3-Related Nephropathy; COL4A4 Alport Syndrome and Thin Basement Membrane Nephropathy; ALPORT SYNDROME 2, AUTOSOMAL RECESSIVE; Alport syndrome type 2. Identifiers: Orphanet 63, Orphanet 88919, MedGen C4746745, MONDO:0008762, OMIM 203780.

Allele frequency attached by ClinVar (database versions not stated): gnomAD exomes below 0.00001.
gnomAD v4.1: 2 of 1,614,052 alleles (0.00012%); highest among the groups gnomAD compares: Non-Finnish European, 0.000085%; no homozygotes.

Submissions (3):

Women's Health and Genetics/Laboratory Corporation of America, LabCorp
Classification: Uncertain significance. Last evaluated: 2024-08-13. Review status: criteria provided, single submitter. Criteria: LabCorp Variant Classification Summary - May 2015. Collection method: clinical testing. Allele origin: germline.
Comment: Variant summary: COL4A3 c.716G>A (p.Gly239Glu) results in a non-conservative amino acid change in the encoded protein sequence. Five of five in-silico tools predict a damaging effect of the variant on protein function. The variant was absent in 249386 control chromosomes (gnomAD). The available data on variant occurrences in the general population are insufficient to allow any conclusion about variant significance. To our knowledge, no occurrence of c.716G>A in individuals affected with Alport Syndrome, Autosomal Recessive and no experimental evidence demonstrating its impact on protein function have been reported. ClinVar contains an entry for this variant (Variation ID: 801904). Based on the evidence outlined above, the variant was classified as uncertain significance.

Mendelics
Classification: Uncertain significance for Autosomal recessive Alport syndrome. Last evaluated: 2019-05-28. Review status: criteria provided, single submitter. Criteria: Mendelics Assertion Criteria 2017. Collection method: clinical testing. Allele origin: unknown.

Bioscientia Institut fuer Medizinische Diagnostik GmbH, Sonic Healthcare
Classification: Likely pathogenic for Autosomal dominant Alport syndrome. Last evaluated: 2019-06-03. Review status: no assertion criteria provided. Collection method: clinical testing. Allele origin: germline. Affected: yes. Not counted in ClinVar's aggregate classification.